The following is an entry in ClinVar:

NM_001330588.2(TPP2):c.1093C>T (p.Pro365Ser)

Gene: TPP2 (tripeptidyl peptidase 2; plus strand). Cytogenetic location: 13q33.1.
Variant type: single nucleotide variant.
Coding change: c.1093C>T on transcript NM_001330588.2 (MANE Select); coding-DNA position 1093, C replaced by T.
Protein change: p.Pro365Ser; replaces proline 365 with serine.
Molecular consequence: missense variant. On other transcripts: non-coding transcript variant (1).
Genome position (GRCh38, 1-based): chr13:102,629,558, C>T. VCF-style: chr13-102629558-C-T. GRCh37 (hg19) VCF-style: chr13-103281908-C-T.
Other names: c.1093C>T, p.Pro365Ser (NM_001367947.1, NM_003291.4); short protein forms P365S.
Identifiers: ClinVar variation 1999542 (VCV001999542.4), dbSNP rs2503952755, ClinGen allele CA388481865.

ClinVar aggregate classification (germline): Uncertain significance (1 of 4 stars; one submission).

Conditions:
Evans syndrome, immunodeficiency, and premature immunosenescence associated with tripeptidyl-peptidase II deficiency. Identifiers: MedGen CN231723. Disease mechanism: loss of function.

Submission:

Labcorp Genetics (formerly Invitae), Labcorp
Classification: Uncertain significance for Evans syndrome, immunodeficiency, and premature immunosenescence associated with tripeptidyl-peptidase II deficiency. Last evaluated: 2022-05-27. Review status: criteria provided, single submitter. Criteria: Invitae Variant Classification Sherloc (09022015). Collection method: clinical testing. Allele origin: germline.
Comment: In summary, the available evidence is currently insufficient to determine the role of this variant in disease. Therefore, it has been classified as a Variant of Uncertain Significance. Algorithms developed to predict the effect of missense changes on protein structure and function (SIFT, PolyPhen-2, Align-GVGD) all suggest that this variant is likely to be disruptive. This variant has not been reported in the literature in individuals affected with TPP2-related conditions. This variant is not present in population databases (gnomAD no frequency). This sequence change replaces proline, which is neutral and non-polar, with serine, which is neutral and polar, at codon 365 of the TPP2 protein (p.Pro365Ser).